The following is an entry in ClinVar:

NM_001329943.3(KIAA0586):c.835A>C (p.Thr279Pro)

Gene: KIAA0586 (KIAA0586; plus strand). Cytogenetic location: 14q23.1.
Variant type: single nucleotide variant.
Coding change: c.835A>C on transcript NM_001329943.3 (MANE Select); coding-DNA position 835, A replaced by C.
Protein change: p.Thr279Pro; replaces threonine 279 with proline.
Molecular consequence: missense variant.
Genome position (GRCh38, 1-based): chr14:58,448,367, A>C. VCF-style: chr14-58448367-A-C. GRCh37 (hg19) VCF-style: chr14-58915085-A-C.
Other names: c.580A>C, p.Thr194Pro (NM_001329945.2, NM_001364700.1, NM_001364701.2 and 1 more transcripts); c.835A>C, p.Thr279Pro (NM_001329946.2, NM_001329947.2, NM_014749.5 and 1 more transcripts); c.994A>C, p.Thr332Pro (NM_001244189.2); c.790A>C, p.Thr264Pro (NM_001244190.2); c.703A>C, p.Thr235Pro (NM_001244192.2); c.415A>C, p.Thr139Pro (NM_001244193.2); short protein forms T235P, T264P, T194P, T332P, T139P, T279P.
Identifiers: ClinVar variation 2013773 (VCV002013773.4), dbSNP rs2039080250, ClinGen allele CA389863830.

ClinVar aggregate classification (germline): Uncertain significance (1 of 4 stars; one submission).

Conditions:
Short-rib thoracic dysplasia 14 with polydactyly (SRTD14). Identifiers: Orphanet 397715, MedGen C4225286, MONDO:0014688, OMIM 616546.
Joubert syndrome 23 (JBTS23). Identifiers: Orphanet 475, MedGen C4084822, MONDO:0014664, OMIM 616490.

Allele frequency attached by ClinVar (database versions not stated): TOPMed 0.00001.

Submission:

Labcorp Genetics (formerly Invitae), Labcorp
Classification: Uncertain significance for Joubert syndrome 23; Short-rib thoracic dysplasia 14 with polydactyly. Last evaluated: 2022-07-03. Review status: criteria provided, single submitter. Criteria: Invitae Variant Classification Sherloc (09022015). Collection method: clinical testing. Allele origin: germline.
Comment: In summary, the available evidence is currently insufficient to determine the role of this variant in disease. Therefore, it has been classified as a Variant of Uncertain Significance. Algorithms developed to predict the effect of missense changes on protein structure and function (SIFT, PolyPhen-2, Align-GVGD) all suggest that this variant is likely to be tolerated. This variant has not been reported in the literature in individuals affected with KIAA0586-related conditions. This variant is not present in population databases (gnomAD no frequency). This sequence change replaces threonine, which is neutral and polar, with proline, which is neutral and non-polar, at codon 332 of the KIAA0586 protein (p.Thr332Pro).